The following is an entry in ClinVar:

NM_000138.5(FBN1):c.5033A>T (p.Tyr1678Phe)

Gene: FBN1 (fibrillin 1; minus strand). Cytogenetic location: 15q21.1.
Variant type: single nucleotide variant.
Coding change: c.5033A>T on transcript NM_000138.5 (MANE Select); coding-DNA position 5033, A replaced by T.
Protein change: p.Tyr1678Phe; replaces tyrosine 1678 with phenylalanine.
Molecular consequence: missense variant.
Genome position (GRCh38, 1-based): chr15:48,463,931, T>A on the plus strand (A>T on the coding strand, the complement: FBN1 is on the minus strand). VCF-style: chr15-48463931-T-A. GRCh37 (hg19) VCF-style: chr15-48756128-T-A.
Other names: c.5033A>T, p.Tyr1678Phe (NM_001406716.1); short protein forms Y1678F.
Identifiers: ClinVar variation 5001008 (VCV005001008.1).

ClinVar aggregate classification (germline): Uncertain significance (1 of 4 stars; one submission).

Conditions:
FBN1-related disorder. Also called: FBN1-related disorders.

Submission:

PreventionGenetics, part of Exact Sciences
Classification: Uncertain significance for FBN1-related condition. Last evaluated: 2024-12-03. Review status: criteria provided, single submitter. Criteria: ACMG Guidelines, 2015. Collection method: clinical testing. Allele origin: germline.
Comment: The FBN1 c.5033A>T variant is predicted to result in the amino acid substitution p.Tyr1678Phe. To our knowledge, this variant has not been reported in the literature or in a large population database (gnomAD), indicating this variant is rare. At this time, the clinical significance of this variant is uncertain due to the absence of conclusive functional and genetic evidence.